The following is an entry in ClinVar:

NM_001170629.2(CHD8):c.5386C>T (p.Gln1796Ter)

Gene: CHD8 (chromodomain helicase DNA binding protein 8; minus strand). Cytogenetic location: 14q11.2.
Variant type: single nucleotide variant.
Coding change: c.5386C>T on transcript NM_001170629.2 (MANE Select); coding-DNA position 5386, C replaced by T.
Protein change: p.Gln1796Ter; replaces glutamine 1796 with a stop codon.
Molecular consequence: nonsense.
Genome position (GRCh38, 1-based): chr14:21,394,916, G>A on the plus strand (C>T on the coding strand, the complement: CHD8 is on the minus strand). VCF-style: chr14-21394916-G-A. GRCh37 (hg19) VCF-style: chr14-21863075-G-A.
Other names: c.4549C>T, p.Gln1517Ter (NM_020920.4); short protein forms Q1517*, Q1796*.
Identifiers: ClinVar variation 4855859 (VCV004855859.1).

ClinVar aggregate classification (germline): Likely pathogenic (1 of 4 stars; one submission).

Conditions:
Intellectual developmental disorder with autism and macrocephaly. Also called: Autism, susceptibility to, 18; CHD8-Related Neurodevelopmental Disorder with Overgrowth. Identifiers: Orphanet 642675, MedGen C3554373, MONDO:0014017, OMIM 615032.

Submission:

3billion
Classification: Likely pathogenic for Intellectual developmental disorder with autism and macrocephaly. Last evaluated: 2025-11-11. Review status: criteria provided, single submitter. Criteria: ACMG Guidelines, 2015. Collection method: clinical testing. Allele origin: germline. Affected: yes.
Comment: The variant is not observed in the gnomAD v4.1.0 dataset. Predicted Consequence/Location: Stop-gained (nonsense): predicted to result in a loss or disruption of normal protein function through nonsense-mediated decay (NMD) or protein truncation. Multiple pathogenic variants are reported downstream of the variant. Therefore, this variant is classified as Likely pathogenic according to the recommendation of ACMG/AMP guideline.